The following is an entry in ClinVar:

ClinVar aggregate classification (germline): Uncertain significance. Review status: criteria provided, multiple submitters, no conflicts (2 of 4 stars). 7 submissions from 7 submitters: Uncertain significance (6). 1 of the submissions does not count toward it. Last evaluated 2025-03-14.

Conditions:
Charcot-Marie-Tooth disease type 4D. Also called: CHARCOT-MARIE-TOOTH DISEASE, DEMYELINATING, AUTOSOMAL RECESSIVE, TYPE 4D; NEUROPATHY, HEREDITARY MOTOR AND SENSORY, LOM TYPE; Charcot-Marie-Tooth Neuropathy Type 4D; CHARCOT-MARIE-TOOTH DISEASE, DEMYELINATING, TYPE 4D. Identifiers: Orphanet 99950, MedGen C1832334, MONDO:0011085, OMIM 601455.
Charcot-Marie-Tooth disease type 4. Also called: Charcot-Marie-Tooth, Type 4; Charcot-Marie-Tooth disease, type IV. Identifiers: Orphanet 64749, MedGen C4082197, MONDO:0018995.
Inborn genetic diseases. Identifiers: MedGen C0950123, MeSH D030342.

Allele frequency attached by ClinVar (database versions not stated): gnomAD exomes 0.00008 and 0.00010; ExAC 0.00012; gnomAD 0.00019 and 0.00021; TOPMed 0.00022; ESP Exome Variant Server 0.00031.

Submissions (7):

Athena Diagnostics
Classification: Uncertain significance. Last evaluated: 2025-03-14. Review status: criteria provided, single submitter. Criteria: Athena Diagnostics Criteria. Collection method: clinical testing. Allele origin: unknown.
Comment: Available data are insufficient to determine the clinical significance of the variant at this time. The frequency of this variant in the general population is higher than would generally be expected for pathogenic variants in this gene. Polyphen and MutationTaster predict this amino acid change may be benign.

Ambry Genetics
Classification: Uncertain significance for Inborn genetic diseases. Last evaluated: 2024-10-09. Review status: criteria provided, single submitter. Criteria: Ambry Variant Classification Scheme 2023. Collection method: clinical testing. Allele origin: germline.

Labcorp Genetics (formerly Invitae), Labcorp
Classification: Uncertain significance for Charcot-Marie-Tooth disease type 4. Last evaluated: 2022-10-26. Review status: criteria provided, single submitter. Criteria: Invitae Variant Classification Sherloc (09022015). Collection method: clinical testing. Allele origin: germline.
Comment: This sequence change replaces valine, which is neutral and non-polar, with methionine, which is neutral and non-polar, at codon 205 of the NDRG1 protein (p.Val205Met). This variant is present in population databases (rs138839833, gnomAD 0.05%). This variant has not been reported in the literature in individuals affected with NDRG1-related conditions. ClinVar contains an entry for this variant (Variation ID: 543429). Advanced modeling of protein sequence and biophysical properties (such as structural, functional, and spatial information, amino acid conservation, physicochemical variation, residue mobility, and thermodynamic stability) performed at Invitae indicates that this missense variant is not expected to disrupt NDRG1 protein function. In summary, the available evidence is currently insufficient to determine the role of this variant in disease. Therefore, it has been classified as a Variant of Uncertain Significance.

Department of Pathology and Laboratory Medicine, Sinai Health System
Classification: Uncertain significance for Charcot-Marie-Tooth disease type 4D. Last evaluated: 2020-07-29. Review status: criteria provided, single submitter. Criteria: ACMG Guidelines, 2015. Collection method: research. Allele origin: germline.

GeneDx
Classification: Uncertain significance. Last evaluated: 2019-05-07. Review status: criteria provided, single submitter. Criteria: GeneDx Variant Classification Process June 2021. Collection method: clinical testing. Allele origin: germline. Affected: yes.
Comment: In silico analysis, which includes protein predictors and evolutionary conservation, supports that this variant does not alter protein structure/function; Has not been previously published as pathogenic or benign to our knowledge

Mayo Clinic Laboratories, Mayo Clinic
Classification: Uncertain significance. Last evaluated: 2017-03-27. Review status: criteria provided, single submitter. Criteria: ACMG Guidelines, 2015. Collection method: clinical testing. Allele origin: germline.

Natera, Inc.
Classification: Uncertain significance for Charcot-Marie-Tooth disease type 4D. Last evaluated: 2019-11-11. Review status: no assertion criteria provided. Collection method: clinical testing. Allele origin: germline. Not counted in ClinVar's aggregate classification.

Literature cited by the submitters: PubMed 29146900 (cited by Athena Diagnostics).

NM_006096.4(NDRG1):c.613G>A (p.Val205Met)

Gene: NDRG1 (N-myc downstream regulated 1; minus strand). Cytogenetic location: 8q24.22.
Variant type: single nucleotide variant.
Coding change: c.613G>A on transcript NM_006096.4 (MANE Select); coding-DNA position 613, G replaced by A.
Protein change: p.Val205Met; replaces valine 205 with methionine.
Molecular consequence: missense variant.
Genome position (GRCh38, 1-based): chr8:133,250,525, C>T on the plus strand (G>A on the coding strand, the complement: NDRG1 is on the minus strand). VCF-style: chr8-133250525-C-T. GRCh37 (hg19) VCF-style: chr8-134262768-C-T.
Other names: p.V205M; c.613G>A, p.Val205Met (NM_001135242.2, NM_001374845.1, NM_001374846.1); c.415G>A, p.Val139Met (NM_001258432.2, NM_001374847.1); c.370G>A, p.Val124Met (NM_001258433.2); c.664G>A, p.Val222Met (NM_001374844.1); short protein forms V205M, V139M, V124M, V222M.
Identifiers: ClinVar variation 543429 (VCV000543429.19), dbSNP rs138839833, ClinGen allele CA4886655.